The following is an entry in ClinVar:

NM_001105206.3(LAMA4):c.952A>G (p.Ile318Val)

Gene: LAMA4 (laminin subunit alpha 4; minus strand). Cytogenetic location: 6q21.
Variant type: single nucleotide variant.
Coding change: c.952A>G on transcript NM_001105206.3 (MANE Select); coding-DNA position 952, A replaced by G.
Protein change: p.Ile318Val; replaces isoleucine 318 with valine.
Molecular consequence: missense variant.
Genome position (GRCh38, 1-based): chr6:112,187,464, T>C on the plus strand (A>G on the coding strand, the complement: LAMA4 is on the minus strand). VCF-style: chr6-112187464-T-C. GRCh37 (hg19) VCF-style: chr6-112508666-T-C.
Other names: c.931A>G, p.Ile311Val (NM_001105207.3, NM_002290.5); c.931A>G (LRG_433t2); short protein forms I311V, I318V.
Identifiers: ClinVar variation 518861 (VCV000518861.20), dbSNP rs141372605, ClinGen allele CA3965981.

ClinVar aggregate classification (germline): Uncertain significance. Review status: criteria provided, multiple submitters, no conflicts (2 of 4 stars). 4 submissions from 4 submitters: Uncertain significance (4). Last evaluated 2025-10-07.

Conditions:
Cardiovascular phenotype. Identifiers: MedGen CN230736.
Dilated cardiomyopathy 1JJ (CMD1JJ). Identifiers: Orphanet 154, MedGen C3808935, MONDO:0014095, OMIM 615235.

Allele frequency attached by ClinVar (database versions not stated): gnomAD exomes 0.00001 and 0.00002; ExAC 0.00002; ESP Exome Variant Server 0.00008; gnomAD 0.00009 and 0.00011; TOPMed 0.00009.
gnomAD v4.1: 28 of 1,613,948 alleles (0.0017%); highest among the groups gnomAD compares: African/African-American, 0.029%; no homozygotes.

Submissions (4):

Labcorp Genetics (formerly Invitae), Labcorp
Classification: Uncertain significance for Dilated cardiomyopathy 1JJ. Last evaluated: 2025-10-07. Review status: criteria provided, single submitter. Criteria: Invitae Variant Classification Sherloc (09022015). Collection method: clinical testing. Allele origin: germline.
Comment: This sequence change replaces isoleucine, which is neutral and non-polar, with valine, which is neutral and non-polar, at codon 311 of the LAMA4 protein (p.Ile311Val). This variant is present in population databases (rs141372605, gnomAD 0.03%). This variant has not been reported in the literature in individuals affected with LAMA4-related conditions. ClinVar contains an entry for this variant (Variation ID: 518861). Invitae Evidence Modeling of protein sequence and biophysical properties (such as structural, functional, and spatial information, amino acid conservation, physicochemical variation, residue mobility, and thermodynamic stability) indicates that this missense variant is not expected to disrupt LAMA4 protein function with a negative predictive value of 80%. In summary, the available evidence is currently insufficient to determine the role of this variant in disease. Therefore, it has been classified as a Variant of Uncertain Significance.

Ambry Genetics
Classification: Uncertain significance for Cardiovascular phenotype. Last evaluated: 2025-05-14. Review status: criteria provided, single submitter. Criteria: Ambry Variant Classification Scheme 2023. Collection method: clinical testing. Allele origin: germline.
Comment: The p.I311V variant (also known as c.931A>G), located in coding exon 7 of the LAMA4 gene, results from an A to G substitution at nucleotide position 931. The isoleucine at codon 311 is replaced by valine, an amino acid with highly similar properties. This amino acid position is not well conserved in available vertebrate species, and valine is the reference amino acid in other vertebrate species. In addition, this alteration is predicted to be tolerated by in silico analysis. Since supporting evidence is limited at this time, the clinical significance of this variant remains unclear.

Fulgent Genetics
Classification: Uncertain significance for Dilated cardiomyopathy 1JJ. Last evaluated: 2021-09-10. Review status: criteria provided, single submitter. Criteria: ACMG Guidelines, 2015. Collection method: clinical testing. Allele origin: unknown.

GeneDx
Classification: Uncertain significance. Last evaluated: 2019-10-25. Review status: criteria provided, single submitter. Criteria: GeneDx Variant Classification Process June 2021. Collection method: clinical testing. Allele origin: germline. Affected: yes.
Comment: Has not been previously published as pathogenic or benign to our knowledge; In silico analysis, which includes protein predictors and evolutionary conservation, supports that this variant does not alter protein structure/function; Reported in ClinVar (ClinVar Variant ID# 518861; Landrum et al., 2016)